The following is an entry in ClinVar:

ClinVar aggregate classification (germline): Pathogenic. Review status: criteria provided, multiple submitters, no conflicts (2 of 4 stars). 2 submissions from 2 submitters: Pathogenic (2). Last evaluated 2025-11-13.

Conditions:
Hypertrophic cardiomyopathy. Also called: HYPERTROPHIC MYOCARDIOPATHY. Identifiers: Orphanet 217569, MedGen C0007194, MeSH D002312, MONDO:0005045, HP:0001639.
Cardiovascular phenotype. Identifiers: MedGen CN230736.

Submissions (2):

Labcorp Genetics (formerly Invitae), Labcorp
Classification: Pathogenic for Hypertrophic cardiomyopathy. Last evaluated: 2025-11-13. Review status: criteria provided, single submitter. Criteria: Invitae Variant Classification Sherloc (09022015). Collection method: clinical testing. Allele origin: germline.
Comment: This sequence change creates a premature translational stop signal (p.Lys395*) in the MYBPC3 gene. It is expected to result in an absent or disrupted protein product. Loss-of-function variants in MYBPC3 are known to be pathogenic (PMID: 19574547). This variant is not present in population databases (gnomAD no frequency). This variant has not been reported in the literature in individuals affected with MYBPC3-related conditions. ClinVar contains an entry for this variant (Variation ID: 978357). For these reasons, this variant has been classified as Pathogenic.

Molecular Diagnostic Laboratory for Inherited Cardiovascular Disease, Montreal Heart Institute
Classification: Pathogenic for Cardiovascular phenotype. Last evaluated: 2025-03-06. Review status: criteria provided, single submitter. Criteria: ACMG Guidelines, 2015. Collection method: clinical testing. Allele origin: germline. Affected: yes.
Comment: PVS1, PM2

Literature cited by the submitters: PubMed 19574547 (cited by Labcorp Genetics (formerly Invitae), Labcorp).

NM_000256.3(MYBPC3):c.1183A>T (p.Lys395Ter)

Gene: MYBPC3 (myosin binding protein C3; minus strand). Cytogenetic location: 11p11.2.
Variant type: single nucleotide variant.
Coding change: c.1183A>T on transcript NM_000256.3 (MANE Select); coding-DNA position 1183, A replaced by T.
Protein change: p.Lys395Ter; replaces lysine 395 with a stop codon.
Molecular consequence: nonsense.
Genome position (GRCh38, 1-based): chr11:47,343,532, T>A on the plus strand (A>T on the coding strand, the complement: MYBPC3 is on the minus strand). VCF-style: chr11-47343532-T-A. GRCh37 (hg19) VCF-style: chr11-47365083-T-A.
Other names: short protein forms K395*.
Identifiers: ClinVar variation 978357 (VCV000978357.8), dbSNP rs1233894123, ClinGen allele CA380328752.